The following is an entry in ClinVar:

ClinVar aggregate classification (germline): Uncertain significance (1 of 4 stars; one submission).

gnomAD v4.1: 1 of 1,614,102 alleles (0.000062%); highest among the groups gnomAD compares: African/African-American, 0.0013%; no homozygotes.

Submission:

Labcorp Genetics (formerly Invitae), Labcorp
Classification: Uncertain significance. Last evaluated: 2024-07-29. Review status: criteria provided, single submitter. Criteria: Invitae Variant Classification Sherloc (09022015). Collection method: clinical testing. Allele origin: germline.
Comment: This sequence change replaces glutamine, which is neutral and polar, with proline, which is neutral and non-polar, at codon 151 of the OTOA protein (p.Gln151Pro). This variant is not present in population databases (gnomAD no frequency). This missense change has been observed in individual(s) with deafness (Invitae). In at least one individual the data is consistent with being in trans (on the opposite chromosome) from a pathogenic variant. ClinVar contains an entry for this variant (Variation ID: 2028573). An algorithm developed to predict the effect of missense changes on protein structure and function (PolyPhen-2) suggests that this variant is likely to be disruptive. In summary, the available evidence is currently insufficient to determine the role of this variant in disease. Therefore, it has been classified as a Variant of Uncertain Significance.

NM_144672.4(OTOA):c.452A>C (p.Gln151Pro)

Gene: OTOA (otoancorin). Cytogenetic location: 16p12.2.
Variant type: single nucleotide variant.
Coding change: c.452A>C on transcript NM_144672.4 (MANE Select); coding-DNA position 452, A replaced by C.
Protein change: p.Gln151Pro; replaces glutamine 151 with proline.
Molecular consequence: missense variant.
Genome position (GRCh38, 1-based): chr16:21,687,465, A>C. VCF-style: chr16-21687465-A-C. GRCh37 (hg19) VCF-style: chr16-21698786-A-C.
Other names: c.215A>C, p.Gln72Pro (NM_001161683.2); short protein forms Q151P, Q72P.
Identifiers: ClinVar variation 2028573 (VCV002028573.4), dbSNP rs2506970962, ClinGen allele CA395055118.